The following is an entry in ClinVar:

ClinVar aggregate classification (germline): Likely benign (1 of 4 stars; one submission).

Allele frequency attached by ClinVar (database versions not stated): gnomAD exomes below 0.00001; ExAC 0.00001.
gnomAD v4.1: 1 of 1,614,226 alleles (0.000062%); highest among the groups gnomAD compares: Middle Eastern, 0.016%; no homozygotes.

Submission:

CeGaT Center for Human Genetics Tuebingen
Classification: Likely benign. Last evaluated: 2023-02-01. Review status: criteria provided, single submitter. Criteria: CeGaT Center For Human Genetics Tuebingen Variant Classification Criteria Version 2. Collection method: clinical testing. Allele origin: germline. Affected: yes. Observed: 1 variant allele.
Comment: HIVEP2: BP4, BP7

NM_006734.4(HIVEP2):c.2388A>G (p.Gly796=)

Gene: HIVEP2 (HIVEP zinc finger 2; minus strand). Cytogenetic location: 6q24.2.
Variant type: single nucleotide variant.
Coding change: c.2388A>G on transcript NM_006734.4 (MANE Select); coding-DNA position 2388, A replaced by G.
Protein change: p.Gly796=; no amino-acid change (glycine 796 retained).
Molecular consequence: synonymous variant.
Genome position (GRCh38, 1-based): chr6:142,772,351, T>C on the plus strand (A>G on the coding strand, the complement: HIVEP2 is on the minus strand). VCF-style: chr6-142772351-T-C. GRCh37 (hg19) VCF-style: chr6-143093488-T-C.
Identifiers: ClinVar variation 2656958 (VCV002656958.24), dbSNP rs756722757, ClinGen allele CA4028422.